The following is an entry in ClinVar:

NM_000195.5(HPS1):c.403C>T (p.Arg135Trp)

Gene: HPS1 (HPS1 biogenesis of lysosomal organelles complex 3 subunit 1; minus strand). Cytogenetic location: 10q24.2.
Variant type: single nucleotide variant.
Coding change: c.403C>T on transcript NM_000195.5 (MANE Select); coding-DNA position 403, C replaced by T.
Protein change: p.Arg135Trp; replaces arginine 135 with tryptophan.
Molecular consequence: missense variant. On other transcripts: 5 prime UTR variant (3).
Genome position (GRCh38, 1-based): chr10:98,434,087, G>A on the plus strand (C>T on the coding strand, the complement: HPS1 is on the minus strand). VCF-style: chr10-98434087-G-A. GRCh37 (hg19) VCF-style: chr10-100193844-G-A.
Other names: c.34C>T, p.Arg12Trp (NM_001322485.2, NM_001322483.2, NM_001322484.2); c.-613C>T (NM_001322487.2); c.-514C>T (NM_001322489.2, NM_001311345.2); c.403C>T, p.Arg135Trp (NM_001322490.2, NM_001322491.2, NM_001322492.2 and 5 more transcripts); c.403C>T (NM_000195.3); c.260C>T, p.Ala87Val (NM_001322480.2, NM_001322481.2, NM_001322482.2); short protein forms R12W, A87V, R135W.
Identifiers: ClinVar variation 1980758 (VCV001980758.3), dbSNP rs759982308, ClinGen allele CA5639403.
Genomic context (GRCh38, chr10:98,434,087, plus strand): 5'-TCCACAGCAGGCTCTGGAAGTGCTCCCACAGCTGGACACGCTGCGCCAGGTCTGGGGGCC[G>A]CAGCCTGGGGGCAGAGCCAGAGAGGGCGGGAGAGATCACAAGAAAGCTGGTCTCCCCCAC-3'
Protein context (NP_000186.2, residues 125-145): VDGHLIRKEL[Arg135Trp]PPDLAQRVQL

ClinVar aggregate classification (germline): Uncertain significance. Review status: criteria provided, multiple submitters, no conflicts (2 of 4 stars). 2 submissions from 2 submitters: Uncertain significance (2). Last evaluated 2023-03-21.

Conditions:
Inborn genetic diseases. Identifiers: MedGen C0950123, MeSH D030342.

Allele frequency attached by ClinVar (database versions not stated): gnomAD exomes 0.00001; gnomAD 0.00003; TOPMed 0.00004; ExAC 0.00006.
gnomAD v4.1: 15 of 1,548,902 alleles (0.00097%); highest among the groups gnomAD compares: African/African-American, 0.0068%; no homozygotes.

Submissions (2):

Ambry Genetics
Classification: Uncertain significance for Inborn genetic diseases. Last evaluated: 2023-03-21. Review status: criteria provided, single submitter. Criteria: Ambry Variant Classification Scheme 2023. Collection method: clinical testing. Allele origin: germline.

Labcorp Genetics (formerly Invitae), Labcorp
Classification: Uncertain significance. Last evaluated: 2022-04-11. Review status: criteria provided, single submitter. Criteria: Invitae Variant Classification Sherloc (09022015). Collection method: clinical testing. Allele origin: germline.
Comment: This sequence change replaces arginine, which is basic and polar, with tryptophan, which is neutral and slightly polar, at codon 135 of the HPS1 protein (p.Arg135Trp). The frequency data for this variant in the population databases is considered unreliable, as metrics indicate poor data quality at this position in the gnomAD database. This variant has not been reported in the literature in individuals affected with HPS1-related conditions. Algorithms developed to predict the effect of missense changes on protein structure and function are either unavailable or do not agree on the potential impact of this missense change (SIFT: "Deleterious"; PolyPhen-2: "Probably Damaging"; Align-GVGD: "Class C0"). In summary, the available evidence is currently insufficient to determine the role of this variant in disease. Therefore, it has been classified as a Variant of Uncertain Significance.